The following is an entry in ClinVar:

NM_000038.6(APC):c.4195C>T (p.Arg1399Cys)

Gene: APC (APC regulator of Wnt signaling pathway; plus strand). Cytogenetic location: 5q22.2.
Variant type: single nucleotide variant.
Coding change: c.4195C>T on transcript NM_000038.6 (MANE Select); coding-DNA position 4195, C replaced by T.
Protein change: p.Arg1399Cys; replaces arginine 1399 with cysteine.
Molecular consequence: missense variant.
Genome position (GRCh38, 1-based): chr5:112,839,789, C>T. VCF-style: chr5-112839789-C-T. GRCh37 (hg19) VCF-style: chr5-112175486-C-T.
Other names: c.4195C>T, p.Arg1399Cys (NM_001127510.3, NM_001354895.2); c.4141C>T, p.Arg1381Cys (NM_001127511.3); c.4249C>T, p.Arg1417Cys (NM_001354896.2); c.4225C>T, p.Arg1409Cys (NM_001354897.2); c.4120C>T, p.Arg1374Cys (NM_001354898.2); c.4111C>T, p.Arg1371Cys (NM_001354899.2); c.4072C>T, p.Arg1358Cys (NM_001354900.2); c.4018C>T, p.Arg1340Cys (NM_001354901.2); and 5 more; short protein forms R1116C, R1239C, R1273C, R1298C, R1308C, R1340C, R1358C, R1371C.
Identifiers: ClinVar variation 1171521 (VCV001171521.11), dbSNP rs1424719678, ClinGen allele CA16030528.

ClinVar aggregate classification (germline): Uncertain significance. Review status: criteria provided, multiple submitters, no conflicts (2 of 4 stars). 3 submissions from 3 submitters: Uncertain significance (3). Last evaluated 2026-01-16.

Conditions:
Familial adenomatous polyposis 1 (FAP1). Also called: FAMILIAL ADENOMATOUS POLYPOSIS 1, ATTENUATED; POLYPOSIS, ADENOMATOUS INTESTINAL. Identifiers: MedGen C2713442, MONDO:0021056, OMIM 175100. Disease mechanism: loss of function.
Hereditary cancer-predisposing syndrome. Also called: Tumor predisposition; Hereditary neoplastic syndrome; Hereditary Cancer Syndrome; Neoplastic Syndromes, Hereditary. Identifiers: Orphanet 140162, MedGen C0027672, MeSH D009386, MONDO:0015356.

Allele frequency attached by ClinVar (database versions not stated): gnomAD exomes below 0.00001.
gnomAD v4.1: 3 of 1,614,036 alleles (0.00019%); highest among the groups gnomAD compares: South Asian, 0.0011%; no homozygotes.

Submissions (3):

Labcorp Genetics (formerly Invitae), Labcorp
Classification: Uncertain significance for Familial adenomatous polyposis 1. Last evaluated: 2026-01-16. Review status: criteria provided, single submitter. Criteria: Invitae Variant Classification Sherloc (09022015). Collection method: clinical testing. Allele origin: germline.
Comment: This sequence change replaces arginine, which is basic and polar, with cysteine, which is neutral and slightly polar, at codon 1399 of the APC protein (p.Arg1399Cys). This variant is present in population databases (no rsID available, gnomAD 0.003%). This variant has not been reported in the literature in individuals affected with APC-related conditions. ClinVar contains an entry for this variant (Variation ID: 1171521). Invitae Evidence Modeling of protein sequence and biophysical properties (such as structural, functional, and spatial information, amino acid conservation, physicochemical variation, residue mobility, and thermodynamic stability) indicates that this missense variant is not expected to disrupt APC protein function with a negative predictive value of 95%. In summary, the available evidence is currently insufficient to determine the role of this variant in disease. Therefore, it has been classified as a Variant of Uncertain Significance.

Color Diagnostics, LLC DBA Color Health
Classification: Uncertain significance for Hereditary cancer-predisposing syndrome. Last evaluated: 2025-06-23. Review status: criteria provided, single submitter. Criteria: ACMG Guidelines, 2015. Collection method: clinical testing. Allele origin: germline.
Comment: This missense variant replaces arginine with cysteine at codon 1399 of the APC protein. Computational prediction suggests that this variant may not impact protein structure and function. To our knowledge, functional studies have not been reported for this variant. This variant has not been reported in individuals affected with APC-related disorders in the literature. This variant has been identified in 1/251008 chromosomes in the general population by the Genome Aggregation Database (gnomAD). The available evidence is insufficient to determine the role of this variant in disease conclusively. Therefore, this variant is classified as a Variant of Uncertain Significance.

Ambry Genetics
Classification: Uncertain significance for Hereditary cancer-predisposing syndrome. Last evaluated: 2025-02-25. Review status: criteria provided, single submitter. Criteria: Ambry Variant Classification Scheme 2023. Collection method: clinical testing. Allele origin: germline.
Comment: The p.R1399C variant (also known as c.4195C>T), located in coding exon 15 of the APC gene, results from a C to T substitution at nucleotide position 4195. The arginine at codon 1399 is replaced by cysteine, an amino acid with highly dissimilar properties. This amino acid position is not well conserved in available vertebrate species. In addition, in silico predictors for this gene do not accurately predict pathogenicity. Since supporting evidence is limited at this time, the clinical significance of this alteration remains unclear.